The following is an entry in ClinVar:

ClinVar aggregate classification (germline): Uncertain significance (1 of 4 stars; one submission).

Conditions:
X-linked immunodeficiency with magnesium defect, Epstein-Barr virus infection and neoplasia. Identifiers: Orphanet 317476, MedGen C3275445, MONDO:0010455, OMIM 300853.

Submission:

Labcorp Genetics (formerly Invitae), Labcorp
Classification: Uncertain significance for X-linked immunodeficiency with magnesium defect, Epstein-Barr virus infection and neoplasia. Last evaluated: 2024-11-06. Review status: criteria provided, single submitter. Criteria: Invitae Variant Classification Sherloc (09022015). Collection method: clinical testing. Allele origin: germline.
Comment: This sequence change replaces threonine, which is neutral and polar, with alanine, which is neutral and non-polar, at codon 206 of the MAGT1 protein (p.Thr206Ala). This variant is not present in population databases (gnomAD no frequency). This variant has not been reported in the literature in individuals affected with MAGT1-related conditions. Invitae Evidence Modeling of protein sequence and biophysical properties (such as structural, functional, and spatial information, amino acid conservation, physicochemical variation, residue mobility, and thermodynamic stability) indicates that this missense variant is not expected to disrupt MAGT1 protein function with a negative predictive value of 80%. In summary, the available evidence is currently insufficient to determine the role of this variant in disease. Therefore, it has been classified as a Variant of Uncertain Significance.

NM_001367916.1(MAGT1):c.520A>G (p.Thr174Ala)

Gene: MAGT1 (magnesium transporter 1; minus strand). Cytogenetic location: Xq21.1.
Variant type: single nucleotide variant.
Coding change: c.520A>G on transcript NM_001367916.1 (MANE Select); coding-DNA position 520, A replaced by G.
Protein change: p.Thr174Ala; replaces threonine 174 with alanine.
Molecular consequence: missense variant.
Genome position (GRCh38, 1-based): chrX:77,857,368, T>C on the plus strand (A>G on the coding strand, the complement: MAGT1 is on the minus strand). VCF-style: chrX-77857368-T-C. GRCh37 (hg19) VCF-style: chrX-77112865-T-C.
Other names: c.616A>G, p.Thr206Ala (NM_032121.5); short protein forms T174A, T206A.
Identifiers: ClinVar variation 3639788 (VCV003639788.2).